The following is an entry in ClinVar:

NM_001256864.2(DNAJC6):c.2846T>C (p.Met949Thr)

Gene: DNAJC6 (DnaJ heat shock protein family (Hsp40) member C6; plus strand). Cytogenetic location: 1p31.3.
Variant type: single nucleotide variant.
Coding change: c.2846T>C on transcript NM_001256864.2 (MANE Select); coding-DNA position 2846, T replaced by C.
Protein change: p.Met949Thr; replaces methionine 949 with threonine.
Molecular consequence: missense variant.
Genome position (GRCh38, 1-based): chr1:65,412,958, T>C. VCF-style: chr1-65412958-T-C. GRCh37 (hg19) VCF-style: chr1-65878641-T-C.
Other names: c.2636T>C, p.Met879Thr (NM_001256865.2); c.2675T>C, p.Met892Thr (NM_014787.4); short protein forms M879T, M892T, M949T.
Identifiers: ClinVar variation 2110587 (VCV002110587.4), dbSNP rs2101647570, ClinGen allele CA340717634.

ClinVar aggregate classification (germline): Uncertain significance (1 of 4 stars; one submission).

Conditions:
Juvenile onset Parkinson disease 19A. Also called: PARK19; DNAJC6 Parkinson Disease. Identifiers: Orphanet 391411, MedGen C3809811, MONDO:0014231, OMIM 615528.

Submission:

Labcorp Genetics (formerly Invitae), Labcorp
Classification: Uncertain significance for Juvenile onset Parkinson disease 19A. Last evaluated: 2022-08-11. Review status: criteria provided, single submitter. Criteria: Invitae Variant Classification Sherloc (09022015). Collection method: clinical testing. Allele origin: germline.
Comment: In summary, the available evidence is currently insufficient to determine the role of this variant in disease. Therefore, it has been classified as a Variant of Uncertain Significance. Algorithms developed to predict the effect of missense changes on protein structure and function are either unavailable or do not agree on the potential impact of this missense change (SIFT: "Deleterious"; PolyPhen-2: "Probably Damaging"; Align-GVGD: "Class C0"). This variant has not been reported in the literature in individuals affected with DNAJC6-related conditions. This variant is not present in population databases (gnomAD no frequency). This sequence change replaces methionine, which is neutral and non-polar, with threonine, which is neutral and polar, at codon 949 of the DNAJC6 protein (p.Met949Thr).